The following is an entry in ClinVar:

ClinVar aggregate classification (germline): Pathogenic (1 of 4 stars; one submission).

Conditions:
Congenital adrenal hyperplasia due to cytochrome P450 oxidoreductase deficiency. Also called: DISORDERED STEROIDOGENESIS DUE TO POR DEFICIENCY. Identifiers: Orphanet 95699, MedGen C1860042, MONDO:0013310, OMIM 613571.

Submission:

Labcorp Genetics (formerly Invitae), Labcorp
Classification: Pathogenic for Congenital adrenal hyperplasia due to cytochrome P450 oxidoreductase deficiency. Last evaluated: 2021-12-29. Review status: criteria provided, single submitter. Criteria: Invitae Variant Classification Sherloc (09022015). Collection method: clinical testing. Allele origin: germline.
Comment: For these reasons, this variant has been classified as Pathogenic. This variant has not been reported in the literature in individuals affected with POR-related conditions. This sequence change creates a premature translational stop signal (p.Gln602*) in the POR gene. It is expected to result in an absent or disrupted protein product. Loss-of-function variants in POR are known to be pathogenic (PMID: 14758361, 20732302, 21741353). This variant is not present in population databases (gnomAD no frequency).

Literature cited by the submitters: PubMed 14758361; PubMed 20732302; PubMed 21741353.

NM_001395413.1(POR):c.1795C>T (p.Gln599Ter)

Gene: POR (cytochrome p450 oxidoreductase; plus strand). Cytogenetic location: 7q11.23.
Variant type: single nucleotide variant.
Coding change: c.1795C>T on transcript NM_001395413.1 (MANE Select); coding-DNA position 1795, C replaced by T.
Protein change: p.Gln599Ter; replaces glutamine 599 with a stop codon.
Molecular consequence: nonsense.
Genome position (GRCh38, 1-based): chr7:75,986,057, C>T. VCF-style: chr7-75986057-C-T. GRCh37 (hg19) VCF-style: chr7-75615375-C-T.
Other names: c.1804C>T, p.Gln602Ter (NM_000941.2, NM_000941.3); c.1795C>T, p.Gln599Ter (NM_001367562.3, NM_001382657.2, NM_001382658.3 and 1 more transcripts); c.1849C>T, p.Gln617Ter (NM_001382655.3); c.1645C>T, p.Gln549Ter (NM_001382662.3); short protein forms Q599*, Q602*, Q617*, Q549*.
Identifiers: ClinVar variation 2065334 (VCV002065334.4), dbSNP rs2535413569, ClinGen allele CA367750708.